The following is an entry in ClinVar:

ClinVar aggregate classification (germline): Uncertain significance (1 of 4 stars; one submission).

Conditions:
Cardiomyopathy (CMYO). Also called: Cardiomyopathies. Identifiers: Orphanet 167848, MedGen C0878544, MONDO:0004994, HP:0001638. Inheritance: Various modes of inheritance.

Submission:

Color Diagnostics, LLC DBA Color Health
Classification: Uncertain significance for Cardiomyopathy. Last evaluated: 2025-07-14. Review status: criteria provided, single submitter. Criteria: ACMG Guidelines, 2015. Collection method: clinical testing. Allele origin: germline.
Comment: This missense variant replaces glutamine with histidine at codon 99 of the TNNI3 protein. Computational prediction is inconclusive regarding the impact of this variant on protein structure and function. To our knowledge, functional studies have not been reported for this variant. This variant has not been reported in individuals affected with TNNI3-related disorders in the literature. This variant has not been identified in the general population by the Genome Aggregation Database (gnomAD). The available evidence is insufficient to determine the role of this variant in disease conclusively. Therefore, this variant is classified as a Variant of Uncertain Significance.

NM_000363.5(TNNI3):c.297G>T (p.Gln99His)

Gene: TNNI3 (troponin I3, cardiac type; minus strand). Cytogenetic location: 19q13.42.
Variant type: single nucleotide variant.
Coding change: c.297G>T on transcript NM_000363.5 (MANE Select); coding-DNA position 297, G replaced by T.
Protein change: p.Gln99His; replaces glutamine 99 with histidine.
Molecular consequence: missense variant.
Genome position (GRCh38, 1-based): chr19:55,154,816, C>A on the plus strand (G>T on the coding strand, the complement: TNNI3 is on the minus strand). VCF-style: chr19-55154816-C-A. GRCh37 (hg19) VCF-style: chr19-55666184-C-A.
Other names: short protein forms Q99H.
Identifiers: ClinVar variation 4757379 (VCV004757379.1).